The following is an entry in ClinVar:

NM_002386.4(MC1R):c.688C>T (p.Pro230Ser)

Gene: MC1R (melanocortin 1 receptor; plus strand). Cytogenetic location: 16q24.3.
Variant type: single nucleotide variant.
Coding change: c.688C>T on transcript NM_002386.4 (MANE Select); coding-DNA position 688, C replaced by T.
Protein change: p.Pro230Ser; replaces proline 230 with serine.
Molecular consequence: missense variant.
Genome position (GRCh38, 1-based): chr16:89,919,946, C>T. VCF-style: chr16-89919946-C-T. GRCh37 (hg19) VCF-style: chr16-89986354-C-T.
Other names: short protein forms P230S.
Identifiers: ClinVar variation 3871130 (VCV003871130.1).

ClinVar aggregate classification (germline): Uncertain significance (1 of 4 stars; one submission).

Submission:

Ambry Genetics
Classification: Uncertain significance. Last evaluated: 2025-02-26. Review status: criteria provided, single submitter. Criteria: Ambry Variant Classification Scheme 2023. Collection method: clinical testing. Allele origin: germline.
Comment: The p.P230S variant (also known as c.688C>T), located in coding exon 1 of the MC1R gene, results from a C to T substitution at nucleotide position 688. The proline at codon 230 is replaced by serine, an amino acid with similar properties. This amino acid position is conserved. In addition, this alteration is predicted to be tolerated by in silico analysis. Based on the available evidence, the clinical significance of this variant remains unclear.